The following is an entry in ClinVar:

ClinVar aggregate classification (germline): Conflicting classifications of pathogenicity. Review status: criteria provided, conflicting classifications (1 of 4 stars). 4 submissions from 4 submitters: Uncertain significance (3); Likely benign (1). Last evaluated 2025-09-02.

Conditions:
Inborn genetic diseases. Identifiers: MedGen C0950123, MeSH D030342.

Allele frequency attached by ClinVar (database versions not stated): ExAC below 0.00001; gnomAD exomes 0.00018; gnomAD 0.00024 and 0.00022; TOPMed 0.00022.

Submissions (4):

Labcorp Genetics (formerly Invitae), Labcorp
Classification: Likely benign. Last evaluated: 2025-09-02. Review status: criteria provided, single submitter. Criteria: Invitae Variant Classification Sherloc (09022015). Collection method: clinical testing. Allele origin: germline.

Ambry Genetics
Classification: Uncertain significance for Inborn genetic diseases. Last evaluated: 2025-04-14. Review status: criteria provided, single submitter. Criteria: Ambry Variant Classification Scheme 2023. Collection method: clinical testing. Allele origin: germline.

GeneDx
Classification: Uncertain significance. Last evaluated: 2022-01-03. Review status: criteria provided, single submitter. Criteria: GeneDx Variant Classification Process June 2021. Collection method: clinical testing. Allele origin: germline. Affected: yes.
Comment: In silico analysis supports that this missense variant does not alter protein structure/function; Has not been previously published as pathogenic or benign to our knowledge

Eurofins Ntd Llc (ga)
Classification: Uncertain significance. Last evaluated: 2014-04-08. Review status: criteria provided, single submitter. Criteria: EGL Classification Definitions 2015. Collection method: clinical testing. Allele origin: germline. Observed: 1 variant allele, 1 heterozygote.

NM_207346.3(TSEN54):c.1063C>T (p.His355Tyr)

Gene: TSEN54 (tRNA splicing endonuclease subunit 54; plus strand). Cytogenetic location: 17q25.1.
Variant type: single nucleotide variant.
Coding change: c.1063C>T on transcript NM_207346.3 (MANE Select); coding-DNA position 1063, C replaced by T.
Protein change: p.His355Tyr; replaces histidine 355 with tyrosine.
Molecular consequence: missense variant.
Genome position (GRCh38, 1-based): chr17:75,522,144, C>T. VCF-style: chr17-75522144-C-T. GRCh37 (hg19) VCF-style: chr17-73518225-C-T.
Other names: short protein forms H355Y.
Identifiers: ClinVar variation 167752 (VCV000167752.47), dbSNP rs727504183, ClinGen allele CA235022.
Genomic context (GRCh38, chr17:75,522,144, plus strand): 5'-GAGTCCTGGTGCCAGAAGCTGAACCAGCGCAAGGAGAAGCTCTCCAGGCGGGAACGGGAG[C>T]ACCACGCGGAGGCCGCGCAGTTCCAGGAAGATGTCAACGCCGATCCCGAGGTGCAGCGGT-3'
Protein context (NP_997229.2, residues 345-365): KEKLSRRERE[His355Tyr]HAEAAQFQED